The following is an entry in ClinVar:

ClinVar aggregate classification (germline): Pathogenic (1 of 4 stars; one submission).

Conditions:
Hereditary cancer-predisposing syndrome. Also called: Tumor predisposition; Hereditary Cancer Syndrome; Hereditary neoplastic syndrome; Neoplastic Syndromes, Hereditary. Identifiers: Orphanet 140162, MedGen C0027672, MeSH D009386, MONDO:0015356.

Submission:

Molecular Diagnostics Laboratory, Catalan Institute of Oncology
Classification: Pathogenic for Hereditary cancer-predisposing syndrome. Last evaluated: 2025-05-23. Review status: criteria provided, single submitter. Criteria: ClinGen BRCA1BRCA2 ACMG Specifications BRCA2 V1.0.0. Collection method: clinical testing. Allele origin: germline. Inheritance: Autosomal dominant inheritance. Affected: yes.
Comment: c.156_157insAlu, located in exon 3 of the BRCA2 gene, consists in the insertion of an Alu element of 280 nucleotides, causing a translational frameshift with a predicted alternate stop codon (p.(Lys53Alafs*9)). This alteration is expected to result in loss of function by premature protein truncation and nonsense-mediated mRNA decay (PVS1 + PM5_PTC_Strong). It is not present in either of the population databases gnomAD v4.1.0 and gnomAD SVs v4.1.0 (PM2_supporting). In addition, Caputo et al. 2018 (PMID: 29707112) calculate a multifactorial LR that includes co-segregation analysis of 13 families, resulting in a LR >6.4E+12:1 in favour of pathogenicity (PP1_VS). The variant has been reported in ClinVar as pathogenic (8 submissions). Based on the currently available information, c.2197_2198insAlu is classified as a pathogenic variant according to ClinGen-BRCA1 and BRCA2 Guidelines version 1.0.0.

Literature cited by the submitters: PubMed 29707112.

NM_000059.4:c.156_157ins[PX241359.1:g.1_280]

Gene: BRCA2 (BRCA2 DNA repair associated; plus strand).
Variant type: Insertion.
Other names: c.156_157ins[PX241359.1:g.1_280] (NM_000059.4).
Identifiers: ClinVar variation 4532267 (VCV004532267.1).